The following is an entry in ClinVar:

ClinVar aggregate classification (germline): Pathogenic/Likely pathogenic. Review status: criteria provided, multiple submitters, no conflicts (2 of 4 stars). 5 submissions from 5 submitters: Pathogenic (1); Likely pathogenic (4). Last evaluated 2025-05-05.

Conditions:
Vitamin D-dependent rickets, type 1A. Also called: PDDR IA; PSEUDOVITAMIN D-DEFICIENCY RICKETS, TYPE IA; VITAMIN D HYDROXYLATION-DEFICIENT RICKETS, TYPE 1A. Identifiers: MedGen CN283242, MONDO:0020723, OMIM 264700.
Multiple sclerosis, susceptibility to. Also called: DISSEMINATED SCLEROSIS. Identifiers: MedGen C1868685, MONDO:0007462, OMIM 126200.
Vitamin D-dependent rickets, type 1 (VDD1). Also called: VITAMIN D DEPENDENCY, TYPE 1. Identifiers: Orphanet 289157, MedGen C0268689, MONDO:0009924.

Allele frequency attached by ClinVar (database versions not stated): gnomAD 0.00001 and 0.00002; gnomAD exomes 0.00001 and 0.00002; ExAC 0.00002; TOPMed 0.00002.

Submissions (5):

Myriad Genetics, Inc.
Classification: Likely pathogenic for Vitamin D-dependent rickets, type 1A. Last evaluated: 2025-05-05. Review status: criteria provided, single submitter. Criteria: Myriad Autosomal Dominant, Autosomal Recessive and X-Linked Classification Criteria (2023). Collection method: clinical testing. Allele origin: unknown.
Comment: NM_000785.3(CYP27B1):c.1357C>T(R453C) is a missense variant classified as likely pathogenic in the context of vitamin D-dependent rickets, CYP27B1-related. R453C has been observed in cases with relevant disease (PMID: 9837822, 26701718). Relevant functional assessments of this variant are available in the literature (PMID: 9837822). Internal structural analysis of the variant is supportive of pathogenicity. R453C has been observed in referenced population frequency databases. In summary, NM_000785.3(CYP27B1):c.1357C>T(R453C) is a missense variant that has both functional and internal structural support for pathogenicity and has been observed more frequently in cases with the relevant disease than in healthy populations. Please note: this variant was assessed in the context of healthy population screening.

Labcorp Genetics (formerly Invitae), Labcorp
Classification: Likely pathogenic. Last evaluated: 2024-10-28. Review status: criteria provided, single submitter. Criteria: Invitae Variant Classification Sherloc (09022015). Collection method: clinical testing. Allele origin: germline.
Comment: This sequence change replaces arginine, which is basic and polar, with cysteine, which is neutral and slightly polar, at codon 453 of the CYP27B1 protein (p.Arg453Cys). This variant is present in population databases (rs767480544, gnomAD 0.007%). This missense change has been observed in individuals with clinical features of CYP27B1-related conditions (PMID: 9837822; internal data). ClinVar contains an entry for this variant (Variation ID: 802871). Invitae Evidence Modeling of protein sequence and biophysical properties (such as structural, functional, and spatial information, amino acid conservation, physicochemical variation, residue mobility, and thermodynamic stability) indicates that this missense variant is expected to disrupt CYP27B1 protein function with a positive predictive value of 80%. Experimental studies have shown that this missense change affects CYP27B1 function (PMID: 9837822). This variant disrupts the p.Arg453 amino acid residue in CYP27B1. Other variant(s) that disrupt this residue have been determined to be pathogenic (PMID: 20926527; internal data). This suggests that this residue is clinically significant, and that variants that disrupt this residue are likely to be disease-causing. In summary, the currently available evidence indicates that the variant is pathogenic, but additional data are needed to prove that conclusively. Therefore, this variant has been classified as Likely Pathogenic.

Genomic Medicine Center of Excellence, King Faisal Specialist Hospital and Research Centre
Classification: Likely pathogenic for Multiple sclerosis, susceptibility to. Last evaluated: 2024-09-22. Review status: criteria provided, single submitter. Criteria: ACMG Guidelines, 2015. Collection method: clinical testing. Allele origin: germline.

Fulgent Genetics
Classification: Likely pathogenic for Vitamin D-dependent rickets, type 1A. Last evaluated: 2021-09-08. Review status: criteria provided, single submitter. Criteria: ACMG Guidelines, 2015. Collection method: clinical testing. Allele origin: unknown.

Mendelics
Classification: Pathogenic for Vitamin D-dependent rickets, type 1A. Last evaluated: 2019-05-28. Review status: criteria provided, single submitter. Criteria: Mendelics Assertion Criteria 2017. Collection method: clinical testing. Allele origin: unknown.

Literature cited by the submitters: PubMed 26701718 (cited by Myriad Genetics, Inc.); PubMed 9837822 (cited by Myriad Genetics, Inc. and Labcorp Genetics (formerly Invitae), Labcorp); PubMed 20926527 (cited by Labcorp Genetics (formerly Invitae), Labcorp).

NM_000785.4(CYP27B1):c.1357C>T (p.Arg453Cys)

Gene: CYP27B1 (cytochrome P450 family 27 subfamily B member 1; minus strand). Cytogenetic location: 12q14.1.
Variant type: single nucleotide variant.
Coding change: c.1357C>T on transcript NM_000785.4 (MANE Select); coding-DNA position 1357, C replaced by T.
Protein change: p.Arg453Cys; replaces arginine 453 with cysteine.
Molecular consequence: missense variant.
Genome position (GRCh38, 1-based): chr12:57,763,667, G>A on the plus strand (C>T on the coding strand, the complement: CYP27B1 is on the minus strand). VCF-style: chr12-57763667-G-A. GRCh37 (hg19) VCF-style: chr12-58157450-G-A.
Other names: short protein forms R453C.
Identifiers: ClinVar variation 802871 (VCV000802871.6), dbSNP rs767480544, ClinGen allele CA6658147.
Genomic context (GRCh38, chr12:57,763,667, plus strand): 5'-TCACCTGGGCCAAAGCCATTTGCAATTCAAGCTCTGCCAGGCGTCTCCCCATACAGCTGC[G>A]CTTGCCAAAGCCAAAGGGAAGAGATGCAAATGGGTGGGGGGTGGGACCCTCCCCCAGCCA-3'
Protein context (NP_000776.1, residues 443-463): FASLPFGFGK[Arg453Cys]SCMGRRLAEL